The following is an entry in ClinVar:

ClinVar aggregate classification (germline): Pathogenic. Review status: criteria provided, single submitter (1 of 4 stars). 2 submissions from 2 submitters: Pathogenic (1). 1 of the submissions does not count toward it. Last evaluated 2025-03-24.

Conditions:
Alternating hemiplegia of childhood 2 (AHC2). Also called: Alternating Hemiplegia of Childhood (AHC). Identifiers: Orphanet 2131, MedGen C3553788, MONDO:0013900, OMIM 614820.

Submissions (2):

GeneDx
Classification: Pathogenic. Last evaluated: 2025-03-24. Review status: criteria provided, single submitter. Criteria: GeneDx Variant Classification Process June 2021. Collection method: clinical testing. Allele origin: germline. Affected: yes.
Comment: Not observed at significant frequency in large population cohorts (gnomAD); In silico analysis supports that this missense variant has a deleterious effect on protein structure/function; This variant is associated with the following publications: (PMID: 37482377, 34645488)

Genomic Medicine Center of Excellence, King Faisal Specialist Hospital and Research Centre
Classification: Pathogenic for Alternating hemiplegia of childhood 2. Last evaluated: 2021-04-29. Review status: no assertion criteria provided. Collection method: research. Allele origin: germline. Affected: yes. Not counted in ClinVar's aggregate classification.

NM_152296.5(ATP1A3):c.2407G>A (p.Gly803Ser)

Gene: ATP1A3 (ATPase Na+/K+ transporting subunit alpha 3; minus strand). Cytogenetic location: 19q13.2.
Variant type: single nucleotide variant.
Coding change: c.2407G>A on transcript NM_152296.5 (MANE Select); coding-DNA position 2407, G replaced by A.
Protein change: p.Gly803Ser; replaces glycine 803 with serine.
Molecular consequence: missense variant.
Genome position (GRCh38, 1-based): chr19:41,970,399, C>T on the plus strand (G>A on the coding strand, the complement: ATP1A3 is on the minus strand). VCF-style: chr19-41970399-C-T. GRCh37 (hg19) VCF-style: chr19-42474551-C-T.
Other names: c.2440G>A, p.Gly814Ser (NM_001256213.2); c.2446G>A, p.Gly816Ser (NM_001256214.2); c.2407G>A (NM_152296.4); short protein forms G803S, G814S, G816S.
Identifiers: ClinVar variation 1251996 (VCV001251996.2), dbSNP rs2075090666, ClinGen allele CA406039254.